The following is an entry in ClinVar:

NM_004006.3(DMD):c.9975-1G>A

Gene: DMD (dystrophin; minus strand). Cytogenetic location: Xp21.2.
Variant type: single nucleotide variant.
Coding change: c.9975-1G>A on transcript NM_004006.3 (MANE Select); the canonical splice acceptor site of the intron before coding-DNA position 9975, G replaced by A.
Molecular consequence: splice acceptor variant.
Genome position (GRCh38, 1-based): chrX:31,180,482, C>T on the plus strand (G>A on the coding strand, the complement: DMD is on the minus strand). VCF-style: chrX-31180482-C-T. GRCh37 (hg19) VCF-style: chrX-31198599-C-T.
Other names: c.9951-1G>A (NM_000109.4); c.5952-1G>A (NM_004011.4); c.5943-1G>A (NM_004012.4); c.2595-1G>A (NM_004023.3, NM_004020.4, NM_004022.3 and 2 more transcripts); c.1788-1G>A (NM_004014.3); c.771-1G>A (NM_004018.3, NM_004017.3, NM_004016.3 and 2 more transcripts); c.9963-1G>A (NM_004009.3); c.9606-1G>A (NM_004010.3).
Identifiers: ClinVar variation 526079 (VCV000526079.5), dbSNP rs1556040444, ClinGen allele CA412653250.

ClinVar aggregate classification (germline): Pathogenic. Review status: criteria provided, multiple submitters, no conflicts (2 of 4 stars). 2 submissions from 2 submitters: Pathogenic (2). Last evaluated 2020-11-30.

Conditions:
Duchenne muscular dystrophy (DMD). Also called: Duchenne Muscular Dystrophy (DMD); MUSCULAR DYSTROPHY, PSEUDOHYPERTROPHIC PROGRESSIVE, DUCHENNE TYPE. Identifiers: Orphanet 98896, MedGen C0013264, MONDO:0010679, OMIM 310200.

Submissions (2):

Revvity Omics, Revvity
Classification: Pathogenic. Last evaluated: 2020-11-30. Review status: criteria provided, single submitter. Criteria: ACMG Guidelines, 2015. Collection method: clinical testing. Allele origin: germline.

Labcorp Genetics (formerly Invitae), Labcorp
Classification: Pathogenic for Duchenne muscular dystrophy. Last evaluated: 2017-10-24. Review status: criteria provided, single submitter. Criteria: Invitae Variant Classification Sherloc (09022015). Collection method: clinical testing. Allele origin: germline.
Comment: This sequence change affects an acceptor splice site in intron 68 of the DMD gene. It is expected to disrupt RNA splicing and likely results in an absent or disrupted protein product. This variant is not present in population databases (ExAC no frequency). This variant has been reported in an individual affected with Duchenne muscular dystrophy (DMD) or Becker muscular dystrophy (BMD) (PMID:27593222). Algorithms developed to predict the effect of sequence changes on RNA splicing suggest that this variant may disrupt the consensus splice site, but this prediction has not been confirmed by published transcriptional studies. A different variant affecting this nucleotide (c.9975-1G>T) has been determined to be pathogenic (PMID: 25244321). This suggests that this nucleotide is important for normal RNA splicing, and that other variants at this position may also be pathogenic. Donor and acceptor splice site variants typically lead to a loss of protein function (PMID: 16199547), and loss-of-function variants in DMD are known to be pathogenic (PMID: 16770791, 25007885). For these reasons, this variant has been classified as Pathogenic.

Literature cited by the submitters: PubMed 27593222 (cited by Labcorp Genetics (formerly Invitae), Labcorp); PubMed 16770791 (cited by Labcorp Genetics (formerly Invitae), Labcorp); PubMed 25244321 (cited by Labcorp Genetics (formerly Invitae), Labcorp); PubMed 25007885 (cited by Labcorp Genetics (formerly Invitae), Labcorp).